The following is an entry in ClinVar:

ClinVar aggregate classification (germline): Uncertain significance (1 of 4 stars; one submission).

Conditions:
Primary ciliary dyskinesia. Also called: Ciliary dyskinesia. Identifiers: Orphanet 244, MedGen C0008780, MONDO:0016575, HP:0012265.

gnomAD v4.1: 1 of 1,613,486 alleles (0.000062%); highest among the groups gnomAD compares: Non-Finnish European, 0.000085%; no homozygotes.

Submission:

Labcorp Genetics (formerly Invitae), Labcorp
Classification: Uncertain significance for Primary ciliary dyskinesia. Last evaluated: 2022-05-05. Review status: criteria provided, single submitter. Criteria: Invitae Variant Classification Sherloc (09022015). Collection method: clinical testing. Allele origin: germline.
Comment: In summary, the available evidence is currently insufficient to determine the role of this variant in disease. Therefore, it has been classified as a Variant of Uncertain Significance. Algorithms developed to predict the effect of missense changes on protein structure and function (SIFT, PolyPhen-2, Align-GVGD) all suggest that this variant is likely to be disruptive. This variant has not been reported in the literature in individuals affected with CCNO-related conditions. This variant is not present in population databases (gnomAD no frequency). This sequence change replaces alanine, which is neutral and non-polar, with glutamic acid, which is acidic and polar, at codon 284 of the CCNO protein (p.Ala284Glu).

NM_021147.5(CCNO):c.851C>A (p.Ala284Glu)

Gene: CCNO (cyclin O; minus strand). Cytogenetic location: 5q11.2.
Variant type: single nucleotide variant.
Coding change: c.851C>A on transcript NM_021147.5 (MANE Select); coding-DNA position 851, C replaced by A.
Protein change: p.Ala284Glu; replaces alanine 284 with glutamic acid.
Molecular consequence: missense variant. On other transcripts: non-coding transcript variant (3).
Genome position (GRCh38, 1-based): chr5:55,231,577, G>T on the plus strand (C>A on the coding strand, the complement: CCNO is on the minus strand). VCF-style: chr5-55231577-G-T. GRCh37 (hg19) VCF-style: chr5-54527405-G-T.
Other names: short protein forms A284E.
Identifiers: ClinVar variation 2070959 (VCV002070959.4), dbSNP rs1000287085, ClinGen allele CA359720932.